The following is an entry in ClinVar:

NM_001083614.2(EARS2):c.*2294T>C

Genes: EARS2 (glutamyl-tRNA synthetase 2, mitochondrial; minus strand), GGA2 (golgi associated, gamma adaptin ear containing, ARF binding protein 2; minus strand). Cytogenetic location: 16p12.2.
Variant type: single nucleotide variant.
Coding change: c.*2294T>C on transcript NM_001083614.2 (MANE Select); 2294 bases downstream of the stop codon, T replaced by C.
Molecular consequence: 3 prime UTR variant. On other transcripts: non-coding transcript variant (1).
Genome position (GRCh38, 1-based): chr16:23,522,077, A>G on the plus strand (T>C on the coding strand, the complement: EARS2 is on the minus strand). VCF-style: chr16-23522077-A-G. GRCh37 (hg19) VCF-style: chr16-23533398-A-G.
Identifiers: ClinVar variation 318508 (VCV000318508.5), dbSNP rs8046938, ClinGen allele CA10643255.

ClinVar aggregate classification (germline): Benign (1 of 4 stars; one submission).

Conditions:
Leukoencephalopathy-thalamus and brainstem anomalies-high lactate syndrome. Also called: LEUKOENCEPHALOPATHY WITH THALAMUS AND BRAINSTEM INVOLVEMENT AND HIGH LACTATE; Combined oxidative phosphorylation deficiency 12. Identifiers: Orphanet 314051, MedGen C4706421, MONDO:0013971, OMIM 614924.

Allele frequency attached by ClinVar (database versions not stated): 1000 Genomes Project 0.01438; 1000 Genomes Project 30x 0.01577; gnomAD exomes 0.00135; gnomAD 0.01082 and 0.01163; TOPMed 0.01240.
gnomAD v4.1: 1,845 of 309,890 alleles (0.6%); highest among the groups gnomAD compares: African/African-American, 3.7%; 31 homozygotes.

Submission:

Illumina Laboratory Services, Illumina
Classification: Benign for Leukoencephalopathy-thalamus and brainstem anomalies-high lactate syndrome. Last evaluated: 2018-01-12. Review status: criteria provided, single submitter. Criteria: ICSL Variant Classification Criteria 13 December 2019. Collection method: clinical testing. Allele origin: germline.
Comment: This variant was observed in the ICSL laboratory as part of a predisposition screen in an ostensibly healthy population. It had not been previously curated by ICSL or reported in the Human Gene Mutation Database (HGMD: prior to June 1st, 2018), and was therefore a candidate for classification through an automated scoring system. Utilizing variant allele frequency, disease prevalence and penetrance estimates, and inheritance mode, an automated score was calculated to assess if this variant is too frequent to cause the disease. Based on the score and internal cut-off values, a variant classified as benign is not then subjected to further curation. The score for this variant resulted in a classification of benign for this disease.